The following is an entry in ClinVar:

ClinVar aggregate classification (germline): Uncertain significance. Review status: criteria provided, multiple submitters, no conflicts (2 of 4 stars). 3 submissions from 3 submitters: Uncertain significance (3). Last evaluated 2025-12-08.

Conditions:
Inborn genetic diseases. Identifiers: MedGen C0950123, MeSH D030342.
Mitochondrial complex V (ATP synthase) deficiency, nuclear type 2. Also called: Nuclear-Encoded ATPase Deficiency, TMEM70-Related; ENCEPHALOCARDIOMYOPATHY, MITOCHONDRIAL, NEONATAL, DUE TO ATP SYNTHASE DEFICIENCY; MITOCHONDRIAL COMPLEX V (ATP SYNTHASE) DEFICIENCY, TMEM70 TYPE. Identifiers: Orphanet 1194, MedGen C3279699, MONDO:0013546, OMIM 614052.

Allele frequency attached by ClinVar (database versions not stated): gnomAD exomes 0.00008; gnomAD 0.00021 and 0.00019; ESP Exome Variant Server 0.00023; ExAC 0.00008; TOPMed 0.00029; 1000 Genomes Project 0.00040; 1000 Genomes Project 30x 0.00031.

Submissions (3):

Ambry Genetics
Classification: Uncertain significance for Inborn genetic diseases. Last evaluated: 2025-12-08. Review status: criteria provided, single submitter. Criteria: Ambry Variant Classification Scheme 2023. Collection method: clinical testing. Allele origin: germline.

GeneDx
Classification: Uncertain significance. Last evaluated: 2023-01-04. Review status: criteria provided, single submitter. Criteria: GeneDx Variant Classification Process June 2021. Collection method: clinical testing. Allele origin: germline. Affected: yes.
Comment: In silico analysis supports that this missense variant does not alter protein structure/function; Has not been previously published as pathogenic or benign to our knowledge

Labcorp Genetics (formerly Invitae), Labcorp
Classification: Uncertain significance for Mitochondrial complex V (ATP synthase) deficiency, nuclear type 2. Last evaluated: 2022-10-03. Review status: criteria provided, single submitter. Criteria: Invitae Variant Classification Sherloc (09022015). Collection method: clinical testing. Allele origin: germline.
Comment: This sequence change replaces isoleucine, which is neutral and non-polar, with valine, which is neutral and non-polar, at codon 244 of the TMEM70 protein (p.Ile244Val). This variant is present in population databases (rs151104827, gnomAD 0.05%). This variant has not been reported in the literature in individuals affected with TMEM70-related conditions. ClinVar contains an entry for this variant (Variation ID: 203981). Algorithms developed to predict the effect of missense changes on protein structure and function (SIFT, PolyPhen-2, Align-GVGD) all suggest that this variant is likely to be tolerated. In summary, the available evidence is currently insufficient to determine the role of this variant in disease. Therefore, it has been classified as a Variant of Uncertain Significance.

NM_017866.6(TMEM70):c.730A>G (p.Ile244Val)

Gene: TMEM70 (transmembrane protein 70; plus strand). Cytogenetic location: 8q21.11.
Variant type: single nucleotide variant.
Coding change: c.730A>G on transcript NM_017866.6 (MANE Select); coding-DNA position 730, A replaced by G.
Protein change: p.Ile244Val; replaces isoleucine 244 with valine.
Molecular consequence: missense variant. On other transcripts: 3 prime UTR variant (1), non-coding transcript variant (1).
Genome position (GRCh38, 1-based): chr8:73,981,568, A>G. VCF-style: chr8-73981568-A-G. GRCh37 (hg19) VCF-style: chr8-74893803-A-G.
Other names: p.I244V:ATT>GTT; c.*420A>G (NM_001040613.3); short protein forms I244V.
Identifiers: ClinVar variation 203981 (VCV000203981.9), dbSNP rs151104827, ClinGen allele CA313070.